The following is an entry in ClinVar:

NM_000271.5(NPC1):c.962C>T (p.Ala321Val)

Gene: NPC1 (NPC intracellular cholesterol transporter 1; minus strand). Cytogenetic location: 18q11.2.
Variant type: single nucleotide variant.
Coding change: c.962C>T on transcript NM_000271.5 (MANE Select); coding-DNA position 962, C replaced by T.
Protein change: p.Ala321Val; replaces alanine 321 with valine.
Molecular consequence: missense variant.
Genome position (GRCh38, 1-based): chr18:23,556,607, G>A on the plus strand (C>T on the coding strand, the complement: NPC1 is on the minus strand). VCF-style: chr18-23556607-G-A. GRCh37 (hg19) VCF-style: chr18-21136571-G-A.
Other names: short protein forms A321V.
Identifiers: ClinVar variation 889540 (VCV000889540.14), dbSNP rs138079168, ClinGen allele CA8913564.

ClinVar aggregate classification (germline): Conflicting classifications of pathogenicity. Review status: criteria provided, conflicting classifications (1 of 4 stars). 3 submissions from 3 submitters: Uncertain significance (2); Likely benign (1). Last evaluated 2025-05-27.

Conditions:
Niemann-Pick disease, type C1. Also called: NEUROVISCERAL STORAGE DISEASE WITH VERTICAL SUPRANUCLEAR OPHTHALMOPLEGIA; NIEMANN-PICK DISEASE WITH CHOLESTEROL ESTERIFICATION BLOCK; NIEMANN-PICK DISEASE WITHOUT SPHINGOMYELINASE DEFICIENCY; NIEMANN-PICK DISEASE, CHRONIC NEURONOPATHIC FORM; NIEMANN-PICK DISEASE, VARIANT TYPE C1. Identifiers: Orphanet 646, MedGen C3179455, MONDO:0009757, OMIM 257220.

Allele frequency attached by ClinVar (database versions not stated): gnomAD exomes 0.00004 and 0.00008; ExAC 0.00008; ESP Exome Variant Server 0.00008; TOPMed 0.00008; gnomAD 0.00010 and 0.00012; 1000 Genomes Project 30x 0.00016; 1000 Genomes Project 0.00020.
gnomAD v4.1: 77 of 1,614,034 alleles (0.0048%); highest among the groups gnomAD compares: East Asian, 0.062%; no homozygotes.

Submissions (3):

Labcorp Genetics (formerly Invitae), Labcorp
Classification: Likely benign for Niemann-Pick disease, type C1. Last evaluated: 2025-05-27. Review status: criteria provided, single submitter. Criteria: Invitae Variant Classification Sherloc (09022015). Collection method: clinical testing. Allele origin: germline.

GeneDx
Classification: Uncertain significance. Last evaluated: 2020-06-17. Review status: criteria provided, single submitter. Criteria: GeneDx Variant Classification Process June 2021. Collection method: clinical testing. Allele origin: germline. Affected: yes.
Comment: Reported in an unaffected control individual in the published literature (Liu et al., 2017); In silico analysis supports that this missense variant does not alter protein structure/function; This variant is associated with the following publications: (PMID: 28130309)

Illumina Laboratory Services, Illumina
Classification: Uncertain significance for Niemann-Pick disease type C1. Last evaluated: 2018-03-29. Review status: criteria provided, single submitter. Criteria: ICSL Variant Classification Criteria 13 December 2019. Collection method: clinical testing. Allele origin: germline.
Comment: This variant was observed as part of a predisposition screen in an ostensibly healthy population. A literature search was performed for the gene, cDNA change, and amino acid change (where applicable). Publications were found based on this search. However, the evidence from the literature, in combination with allele frequency data from public databases where available, was not sufficient to rule this variant in or out of causing disease. Therefore, this variant is classified as a variant of unknown significance.

Literature cited by the submitters: PubMed 25764212 (cited by Illumina Laboratory Services, Illumina); PubMed 28130309 (cited by Illumina Laboratory Services, Illumina).